The following is an entry in ClinVar:

NM_001933.5(DLST):c.131A>G (p.Asn44Ser)

Gene: DLST (dihydrolipoamide S-succinyltransferase; plus strand). Cytogenetic location: 14q24.3.
Variant type: single nucleotide variant.
Coding change: c.131A>G on transcript NM_001933.5 (MANE Select); coding-DNA position 131, A replaced by G.
Protein change: p.Asn44Ser; replaces asparagine 44 with serine.
Molecular consequence: missense variant. On other transcripts: non-coding transcript variant (1).
Genome position (GRCh38, 1-based): chr14:74,885,619, A>G. VCF-style: chr14-74885619-A-G. GRCh37 (hg19) VCF-style: chr14-75352322-A-G.
Other names: c.131A>G, p.Asn44Ser (NM_001244883.2); short protein forms N44S.
Identifiers: ClinVar variation 4012156 (VCV004012156.2).

ClinVar aggregate classification (germline): Uncertain significance. Review status: criteria provided, multiple submitters, no conflicts (2 of 4 stars). 2 submissions from 2 submitters: Uncertain significance (2). Last evaluated 2025-09-24.

gnomAD v4.1: 3 of 1,613,692 alleles (0.00019%); highest among the groups gnomAD compares: Admixed American, 0.0017%; no homozygotes.

Submissions (2):

Labcorp Genetics (formerly Invitae), Labcorp
Classification: Uncertain significance. Last evaluated: 2025-09-24. Review status: criteria provided, single submitter. Criteria: Invitae Variant Classification Sherloc (09022015). Collection method: clinical testing. Allele origin: germline.
Comment: This sequence change replaces asparagine, which is neutral and polar, with serine, which is neutral and polar, at codon 44 of the DLST protein (p.Asn44Ser). This variant is present in population databases (no rsID available, gnomAD 0.003%). This variant has not been reported in the literature in individuals affected with DLST-related conditions. ClinVar contains an entry for this variant (Variation ID: 4012156). Experimental studies and prediction algorithms are not available or were not evaluated, and the functional significance of this variant is currently unknown. In summary, the available evidence is currently insufficient to determine the role of this variant in disease. Therefore, it has been classified as a Variant of Uncertain Significance.

Ambry Genetics
Classification: Uncertain significance. Last evaluated: 2025-03-28. Review status: criteria provided, single submitter. Criteria: Ambry Variant Classification Scheme 2023. Collection method: clinical testing. Allele origin: germline.